The following is an entry in ClinVar:

ClinVar aggregate classification (germline): Uncertain significance (1 of 4 stars; one submission).

Submission:

Labcorp Genetics (formerly Invitae), Labcorp
Classification: Uncertain significance. Last evaluated: 2022-07-12. Review status: criteria provided, single submitter. Criteria: Invitae Variant Classification Sherloc (09022015). Collection method: clinical testing. Allele origin: germline.
Comment: In summary, the available evidence is currently insufficient to determine the role of this variant in disease. Therefore, it has been classified as a Variant of Uncertain Significance. This variant has not been reported in the literature in individuals affected with NBAS-related conditions. This sequence change replaces leucine, which is neutral and non-polar, with arginine, which is basic and polar, at codon 422 of the NBAS protein (p.Leu422Arg). This variant is not present in population databases (gnomAD no frequency). ClinVar contains an entry for this variant (Variation ID: 1467011). Algorithms developed to predict the effect of missense changes on protein structure and function (SIFT, PolyPhen-2, Align-GVGD) all suggest that this variant is likely to be disruptive.

NM_015909.4(NBAS):c.1265T>G (p.Leu422Arg)

Gene: NBAS (NBAS subunit of NRZ tethering complex; minus strand). Cytogenetic location: 2p24.3.
Variant type: single nucleotide variant.
Coding change: c.1265T>G on transcript NM_015909.4 (MANE Select); coding-DNA position 1265, T replaced by G.
Protein change: p.Leu422Arg; replaces leucine 422 with arginine.
Molecular consequence: missense variant. On other transcripts: non-coding transcript variant (1).
Genome position (GRCh38, 1-based): chr2:15,475,763, A>C on the plus strand (T>G on the coding strand, the complement: NBAS is on the minus strand). VCF-style: chr2-15475763-A-C. GRCh37 (hg19) VCF-style: chr2-15615887-A-C.
Other names: short protein forms L422R.
Identifiers: ClinVar variation 1467011 (VCV001467011.8), dbSNP rs2148588668, ClinGen allele CA345890887.